The following is an entry in ClinVar:

ClinVar aggregate classification (germline): Uncertain significance (1 of 4 stars; one submission).

Conditions:
Progressive sclerosing poliodystrophy (MTDPS4A). Also called: Mitochondrial DNA Depletion Syndrome 4A; Alpers-Huttenlocher Syndrome (AHS); ALPERS PROGRESSIVE INFANTILE POLIODYSTROPHY; NEURONAL DEGENERATION OF CHILDHOOD WITH LIVER DISEASE, PROGRESSIVE; Mitochondrial DNA depletion syndrome 4A (Alpers type); Alpers Syndrome. Identifiers: Orphanet 726, MedGen C0205710, MONDO:0008758, OMIM 203700.

Submission:

Labcorp Genetics (formerly Invitae), Labcorp
Classification: Uncertain significance for Progressive sclerosing poliodystrophy. Last evaluated: 2022-03-26. Review status: criteria provided, single submitter. Criteria: Invitae Variant Classification Sherloc (09022015). Collection method: clinical testing. Allele origin: germline.
Comment: In summary, the available evidence is currently insufficient to determine the role of this variant in disease. Therefore, it has been classified as a Variant of Uncertain Significance. Algorithms developed to predict the effect of missense changes on protein structure and function (SIFT, PolyPhen-2, Align-GVGD) all suggest that this variant is likely to be disruptive. This variant has not been reported in the literature in individuals affected with POLG-related conditions. This variant is not present in population databases (gnomAD no frequency). This sequence change replaces threonine, which is neutral and polar, with asparagine, which is neutral and polar, at codon 849 of the POLG protein (p.Thr849Asn).

NM_002693.3(POLG):c.2546C>A (p.Thr849Asn)

Gene: POLG (DNA polymerase gamma, catalytic subunit; minus strand). Cytogenetic location: 15q26.1.
Variant type: single nucleotide variant.
Coding change: c.2546C>A on transcript NM_002693.3 (MANE Select); coding-DNA position 2546, C replaced by A.
Protein change: p.Thr849Asn; replaces threonine 849 with asparagine.
Molecular consequence: missense variant.
Genome position (GRCh38, 1-based): chr15:89,321,788, G>T on the plus strand (C>A on the coding strand, the complement: POLG is on the minus strand). VCF-style: chr15-89321788-G-T. GRCh37 (hg19) VCF-style: chr15-89865019-G-T.
Other names: c.2546C>A, p.Thr849Asn (NM_001126131.2); short protein forms T849N.
Identifiers: ClinVar variation 2117762 (VCV002117762.4), dbSNP rs2509222288, ClinGen allele CA393754426.
Genomic context (GRCh38, chr15:89,321,788, plus strand): 5'-TCACATACCCGGGCATTGCTGGCGGTGAGCCATGTGGGCTCCACAGCCCGGCGAGTGATG[G>T]TGCCGGCAGTCACCACTTGGGGCAGGATGGCCCCATAGAGGCCTTCCTCATCATAGTCGG-3'
Protein context (NP_002684.1, residues 839-859): AILPQVVTAG[Thr849Asn]ITRRAVEPTW